The following is an entry in ClinVar:

ClinVar aggregate classification (germline): Pathogenic (1 of 4 stars; one submission).

Submission:

Labcorp Genetics (formerly Invitae), Labcorp
Classification: Pathogenic. Last evaluated: 2023-08-24. Review status: criteria provided, single submitter. Criteria: Invitae Variant Classification Sherloc (09022015). Collection method: clinical testing. Allele origin: germline.
Comment: For these reasons, this variant has been classified as Pathogenic. A similar copy number variant has been observed in individual(s) with ADGRV1-related conditions (PMID: 32581362). A gross deletion of the genomic region encompassing the full coding sequence of the ADGRV1 gene has been identified. Loss-of-function variants in ADGRV1 are known to be pathogenic (PMID: 19357117, 22135276, 22147658, 26226137, 30718709, 31047384, 32467589). The boundaries of this event are unknown as they extend beyond the assayed region for this gene and therefore may encompass additional genes.

Literature cited by the submitters: PubMed 32581362; PubMed 19357117; PubMed 22135276; PubMed 22147658; PubMed 26226137; PubMed 30718709; PubMed 31047384; PubMed 32467589.

NC_000005.9:g.(?_89854713)_(90459717_?)del

Gene: ADGRV1 (adhesion G protein-coupled receptor V1; plus strand). Cytogenetic location: 5q14.3.
Variant type: Deletion.
Identifiers: ClinVar variation 2427006 (VCV002427006.4).